The following is an entry in ClinVar:

ClinVar aggregate classification (germline): Uncertain significance (1 of 4 stars; one submission).

Submission:

GeneDx
Classification: Uncertain significance. Last evaluated: 2024-11-18. Review status: criteria provided, single submitter. Criteria: GeneDx Variant Classification Process June 2021. Collection method: clinical testing. Allele origin: germline.
Comment: Not observed at significant frequency in large population cohorts (gnomAD); In-frame deletion of 7 amino acids in a non-repeat region; In silico analysis supports a deleterious effect on protein structure/function; Has not been previously published as pathogenic or benign to our knowledge

NM_001271.4(CHD2):c.4860_4880del (p.Arg1621_Pro1627del)

Gene: CHD2 (chromodomain helicase DNA binding protein 2; plus strand). Cytogenetic location: 15q26.1.
Variant type: Deletion.
Coding change: c.4860_4880del on transcript NM_001271.4 (MANE Select); coding-DNA positions 4860 to 4880, 21 bases deleted (AAGAGATAACTACAATCACCC).
Protein change: p.Arg1621_Pro1627del.
Molecular consequence: inframe deletion.
Genome position (GRCh38, 1-based): chr15:93,014,863-93,014,883, AAGAGATAACTACAATCACCC deleted; deleting any 21 consecutive bases within chr15:93,014,858-93,014,883 gives the same sequence; the c. name uses the placement nearest the transcript's 3' end. VCF-style (leftmost placement, unchanged base first): chr15-93014857-ACACCCAAGAGATAACTACAAT-A. GRCh37 (hg19) VCF-style: chr15-93558087-ACACCCAAGAGATAACTACAAT-A.
Identifiers: ClinVar variation 2499320 (VCV002499320.2), dbSNP rs2505630001, ClinGen allele CA2580090412.